The following is an entry in ClinVar:

ClinVar aggregate classification (germline): Uncertain significance (1 of 4 stars; one submission).

Conditions:
Hereditary cancer-predisposing syndrome. Also called: Tumor predisposition; Hereditary Cancer Syndrome; Hereditary neoplastic syndrome; Neoplastic Syndromes, Hereditary. Identifiers: Orphanet 140162, MedGen C0027672, MeSH D009386, MONDO:0015356.

Allele frequency attached by ClinVar (database versions not stated): ExAC 0.00001.
gnomAD v4.1: 1 of 1,614,122 alleles (0.000062%); highest among the groups gnomAD compares: Non-Finnish European, 0.000085%; no homozygotes.

Submission:

Ambry Genetics
Classification: Uncertain significance for Hereditary cancer-predisposing syndrome. Last evaluated: 2023-09-02. Review status: criteria provided, single submitter. Criteria: Ambry Variant Classification Scheme 2023. Collection method: clinical testing. Allele origin: germline.
Comment: The p.D104N variant (also known as c.310G>A), located in coding exon 3 of the SMARCB1 gene, results from a G to A substitution at nucleotide position 310. The aspartic acid at codon 104 is replaced by asparagine, an amino acid with highly similar properties. This amino acid position is highly conserved in available vertebrate species. In addition, the in silico prediction for this alteration is inconclusive. Missense and in-frame variants in SMARCB1 are known to cause neurodevelopmental disorders; however, such associations with rhabdoid tumor predisposition syndrome are exceedingly rare (Kosho T et al. Am J Med Genet C Semin Med Genet. 2014 Sep;166C(3):262-75; Eaton KW et al. Pediatr Blood Cancer. 2011 Jan;56(1):7-15). Based on the supporting evidence, the association of this alteration with Coffin-Siris syndrome is unknown; however, the association of this alteration with SMARCB1-related tumor predisposition syndrome is unlikely.

NM_003073.5(SMARCB1):c.310G>A (p.Asp104Asn)

Gene: SMARCB1 (SWI/SNF related BAF chromatin remodeling complex subunit B1; plus strand). Cytogenetic location: 22q11.23.
Variant type: single nucleotide variant.
Coding change: c.310G>A on transcript NM_003073.5 (MANE Select); coding-DNA position 310, G replaced by A.
Protein change: p.Asp104Asn; replaces aspartic acid 104 with asparagine.
Molecular consequence: missense variant.
Genome position (GRCh38, 1-based): chr22:23,793,636, G>A. VCF-style: chr22-23793636-G-A. GRCh37 (hg19) VCF-style: chr22-24135823-G-A.
Other names: c.283G>A, p.Asp95Asn (NM_001007468.3, NM_001317946.2); c.310G>A, p.Asp104Asn (NM_001362877.2); short protein forms D104N, D95N.
Identifiers: ClinVar variation 2624835 (VCV002624835.2), dbSNP rs767791254, ClinGen allele CA10145890.